The following is an entry in ClinVar:

ClinVar aggregate classification (germline): Uncertain significance (1 of 4 stars; one submission).

Allele frequency attached by ClinVar (database versions not stated): 1000 Genomes Project 0.00020; 1000 Genomes Project 30x 0.00031; ExAC 0.00033; TOPMed 0.00045; gnomAD 0.00056; ESP Exome Variant Server 0.00069; gnomAD exomes 0.00110.
gnomAD v4.1: 1,652 of 1,614,234 alleles (0.1%); highest among the groups gnomAD compares: Non-Finnish European, 0.13%; 2 homozygotes.

Submission:

Ambry Genetics
Classification: Uncertain significance. Last evaluated: 2024-09-08. Review status: criteria provided, single submitter. Criteria: Ambry Variant Classification Scheme 2023. Collection method: clinical testing. Allele origin: germline.
Comment: The p.G1928E variant (also known as c.5783G>A), located in coding exon 8 of the ALPK2 gene, results from a G to A substitution at nucleotide position 5783. The glycine at codon 1928 is replaced by glutamic acid, an amino acid with similar properties. This amino acid position is conserved. In addition, the in silico prediction for this alteration is inconclusive. Since supporting evidence is limited at this time, the clinical significance of this alteration remains unclear.

NM_052947.4(ALPK2):c.5783G>A (p.Gly1928Glu)

Gene: ALPK2 (alpha kinase 2; minus strand). Cytogenetic location: 18q21.31.
Variant type: single nucleotide variant.
Coding change: c.5783G>A on transcript NM_052947.4 (MANE Select); coding-DNA position 5783, G replaced by A.
Protein change: p.Gly1928Glu; replaces glycine 1928 with glutamic acid.
Molecular consequence: missense variant.
Genome position (GRCh38, 1-based): chr18:58,517,065, C>T on the plus strand (G>A on the coding strand, the complement: ALPK2 is on the minus strand). VCF-style: chr18-58517065-C-T. GRCh37 (hg19) VCF-style: chr18-56184297-C-T.
Other names: short protein forms G1928E.
Identifiers: ClinVar variation 1749617 (VCV001749617.3), dbSNP rs55647142, ClinGen allele CA8976357.
Genomic context (GRCh38, chr18:58,517,065, plus strand): 5'-GGTTTGAAGACAGGCATGAGGCCGTGCATCACTGTGCTGCGGAAGGCTTTGCGGTGAACC[C>T]CTTCTCCAAAGTGCAGCTCCTCCGTGGCGATCTGACCACGCAGGCGGCCCCCAAAGTAGC-3'
Protein context (NP_443179.3, residues 1918-1938): IATEELHFGE[Gly1928Glu]VHRKAFRSTV